The following is an entry in ClinVar:

NM_005751.5(AKAP9):c.10714-3C>T

Gene: AKAP9 (A-kinase anchoring protein 9; plus strand). Cytogenetic location: 7q21.2.
Variant type: single nucleotide variant.
Coding change: c.10714-3C>T on transcript NM_005751.5 (MANE Select); 3 bases into the intron before coding-DNA position 10714, C replaced by T.
Molecular consequence: intron variant.
Genome position (GRCh38, 1-based): chr7:92,099,684, C>T. VCF-style: chr7-92099684-C-T. GRCh37 (hg19) VCF-style: chr7-91728998-C-T.
Other names: c.10690-3C>T (NM_147185.3); c.5359-3C>T (NM_001379277.1).
Identifiers: ClinVar variation 264457 (VCV000264457.7), dbSNP rs763444110, ClinGen allele CA4338015.

ClinVar aggregate classification (germline): Conflicting classifications of pathogenicity. Review status: criteria provided, conflicting classifications (1 of 4 stars). 2 submissions from 2 submitters: Uncertain significance (1); Benign (1). Last evaluated 2025-11-12.

Conditions:
Cardiovascular phenotype. Identifiers: MedGen CN230736.
Long QT syndrome (LQTS). Identifiers: MedGen C0023976, MeSH D008133, MONDO:0002442. Disease mechanism: loss of function. Inheritance: Various modes of inheritance.

Allele frequency attached by ClinVar (database versions not stated): ExAC 0.00003; gnomAD 0.00002; gnomAD exomes 0.00006; TOPMed 0.00003.
gnomAD v4.1: 39 of 1,613,760 alleles (0.0024%); highest among the groups gnomAD compares: South Asian, 0.021%; no homozygotes.

Submissions (2):

Labcorp Genetics (formerly Invitae), Labcorp
Classification: Uncertain significance for Long QT syndrome. Last evaluated: 2025-11-12. Review status: criteria provided, single submitter. Criteria: Invitae Variant Classification Sherloc (09022015). Collection method: clinical testing. Allele origin: germline.
Comment: This sequence change falls in intron 43 of the AKAP9 gene. It does not directly change the encoded amino acid sequence of the AKAP9 protein. It affects a nucleotide within the consensus splice site. This variant is present in population databases (rs763444110, gnomAD 0.02%). This variant has not been reported in the literature in individuals affected with AKAP9-related conditions. ClinVar contains an entry for this variant (Variation ID: 264457). Variants that disrupt the consensus splice site are a relatively common cause of aberrant splicing (PMID: 17576681, 9536098). Algorithms developed to predict the effect of sequence changes on RNA splicing suggest that this variant is not likely to affect RNA splicing. In summary, the available evidence is currently insufficient to determine the role of this variant in disease. Therefore, it has been classified as a Variant of Uncertain Significance.

Ambry Genetics
Classification: Benign for Cardiovascular phenotype. Last evaluated: 2024-02-12. Review status: criteria provided, single submitter. Criteria: Ambry Variant Classification Scheme 2023. Collection method: clinical testing. Allele origin: germline.

Literature cited by the submitters: PubMed 17576681 (cited by Labcorp Genetics (formerly Invitae), Labcorp); PubMed 9536098 (cited by Labcorp Genetics (formerly Invitae), Labcorp).